The following is an entry in ClinVar:

ClinVar aggregate classification (germline): Uncertain significance. Review status: criteria provided, multiple submitters, no conflicts (2 of 4 stars). 3 submissions from 3 submitters: Uncertain significance (3). Last evaluated 2024-03-06.

Conditions:
Hereditary cancer-predisposing syndrome. Also called: Neoplastic Syndromes, Hereditary; Tumor predisposition; Hereditary Cancer Syndrome; Hereditary neoplastic syndrome. Identifiers: Orphanet 140162, MedGen C0027672, MeSH D009386, MONDO:0015356.
Familial adenomatous polyposis 1 (FAP1). Also called: FAMILIAL ADENOMATOUS POLYPOSIS 1, ATTENUATED; POLYPOSIS, ADENOMATOUS INTESTINAL. Identifiers: MedGen C2713442, MONDO:0021056, OMIM 175100. Disease mechanism: loss of function.

Allele frequency attached by ClinVar (database versions not stated): TOPMed 0.00002.
gnomAD v4.1: 1 of 1,613,952 alleles (0.000062%); highest among the groups gnomAD compares: East Asian, 0.0022%; no homozygotes.

Submissions (3):

Color Diagnostics, LLC DBA Color Health
Classification: Uncertain significance for Hereditary cancer-predisposing syndrome. Last evaluated: 2024-03-06. Review status: criteria provided, single submitter. Criteria: ACMG Guidelines, 2015. Collection method: clinical testing. Allele origin: germline.
Comment: This missense variant replaces arginine with proline at codon 1450 of the APC protein. Computational prediction suggests that this variant may not impact protein structure and function (internally defined REVEL score threshold <= 0.5, PMID: 27666373). Splice site prediction tools suggest that this variant may not impact RNA splicing. To our knowledge, functional studies have not been performed for this variant. This variant has not been reported in individuals affected with hereditary cancer in the literature. This variant has been identified in 2/282568 chromosomes in the general population by the Genome Aggregation Database (gnomAD). The available evidence is insufficient to determine the role of this variant in disease conclusively. Therefore, this variant is classified as a Variant of Uncertain Significance.

Labcorp Genetics (formerly Invitae), Labcorp
Classification: Uncertain significance for Familial adenomatous polyposis 1. Last evaluated: 2023-10-05. Review status: criteria provided, single submitter. Criteria: Invitae Variant Classification Sherloc (09022015). Collection method: clinical testing. Allele origin: germline.
Comment: This sequence change replaces arginine, which is basic and polar, with proline, which is neutral and non-polar, at codon 1450 of the APC protein (p.Arg1450Pro). This variant is present in population databases (no rsID available, gnomAD 0.01%). This variant has not been reported in the literature in individuals affected with APC-related conditions. ClinVar contains an entry for this variant (Variation ID: 921852). Advanced modeling of protein sequence and biophysical properties (such as structural, functional, and spatial information, amino acid conservation, physicochemical variation, residue mobility, and thermodynamic stability) performed at Invitae indicates that this missense variant is not expected to disrupt APC protein function. In summary, the available evidence is currently insufficient to determine the role of this variant in disease. Therefore, it has been classified as a Variant of Uncertain Significance.

Ambry Genetics
Classification: Uncertain significance for Hereditary cancer-predisposing syndrome. Last evaluated: 2021-11-09. Review status: criteria provided, single submitter. Criteria: Ambry Variant Classification Scheme 2023. Collection method: clinical testing. Allele origin: germline.
Comment: The p.R1450P variant (also known as c.4349G>C), located in coding exon 15 of the APC gene, results from a G to C substitution at nucleotide position 4349. The arginine at codon 1450 is replaced by proline, an amino acid with dissimilar properties. This amino acid position is not well conserved in available vertebrate species. In addition, in silico predictors for this gene do not accurately predict pathogenicity. Since supporting evidence is limited at this time, the clinical significance of this alteration remains unclear.

NM_000038.6(APC):c.4349G>C (p.Arg1450Pro)

Gene: APC (APC regulator of Wnt signaling pathway; plus strand). Cytogenetic location: 5q22.2.
Variant type: single nucleotide variant.
Coding change: c.4349G>C on transcript NM_000038.6 (MANE Select); coding-DNA position 4349, G replaced by C.
Protein change: p.Arg1450Pro; replaces arginine 1450 with proline.
Molecular consequence: missense variant.
Genome position (GRCh38, 1-based): chr5:112,839,943, G>C. VCF-style: chr5-112839943-G-C. GRCh37 (hg19) VCF-style: chr5-112175640-G-C.
Other names: c.4349G>C, p.Arg1450Pro (NM_001127510.3, NM_001354895.2); c.4295G>C, p.Arg1432Pro (NM_001127511.3); c.4403G>C, p.Arg1468Pro (NM_001354896.2); c.4379G>C, p.Arg1460Pro (NM_001354897.2); c.4274G>C, p.Arg1425Pro (NM_001354898.2); c.4265G>C, p.Arg1422Pro (NM_001354899.2); c.4226G>C, p.Arg1409Pro (NM_001354900.2); c.4172G>C, p.Arg1391Pro (NM_001354901.2); and 5 more; short protein forms R1422P, R1432P, R1450P, R1359P, R1468P, R1167P, R1290P, R1349P.
Identifiers: ClinVar variation 921852 (VCV000921852.10), dbSNP rs587782678, ClinGen allele CA16030857.
Genomic context (GRCh38, chr5:112,839,943, plus strand): 5'-CCATGCCACCAAGCAGAAGTAAAACACCTCCACCACCTCCTCAAACAGCTCAAACCAAGC[G>C]AGAAGTACCTAAAAATAAAGCACCTACTGCTGAAAAGAGAGAGAGTGGACCTAAGCAAGC-3'
Protein context (NP_000029.2, residues 1440-1460): PPPPQTAQTK[Arg1450Pro]EVPKNKAPTA